The following is an entry in ClinVar:

NM_001165963.4(SCN1A):c.5782C>A (p.Arg1928Ser)

Genes: SCN1A (sodium voltage-gated channel alpha subunit 1; minus strand), LOC102724058 (uncharacterized LOC102724058; plus strand). Cytogenetic location: 2q24.3.
Variant type: single nucleotide variant.
Coding change: c.5782C>A on transcript NM_001165963.4 (MANE Select); coding-DNA position 5782, C replaced by A.
Protein change: p.Arg1928Ser; replaces arginine 1928 with serine.
Molecular consequence: missense variant. On other transcripts: non-coding transcript variant (1).
Genome position (GRCh38, 1-based): chr2:165,991,493, G>T on the plus strand (C>A on the coding strand, the complement: SCN1A is on the minus strand). VCF-style: chr2-165991493-G-T. GRCh37 (hg19) VCF-style: chr2-166848003-G-T.
Other names: c.5698C>A, p.Arg1900Ser (NM_001165964.3, NM_001353957.2, NM_001353958.2); c.5782C>A, p.Arg1928Ser (NM_001202435.3, NM_001353948.2); c.5749C>A, p.Arg1917Ser (NM_001353949.2, NM_001353950.2, NM_001353951.2 and 2 more transcripts); c.5746C>A, p.Arg1916Ser (NM_001353954.2, NM_001353955.2); c.5695C>A, p.Arg1899Ser (NM_001353960.2); c.3340C>A, p.Arg1114Ser (NM_001353961.2); short protein forms R1899S, R1917S, R1928S, R1900S, R1916S, R1114S.
Identifiers: ClinVar variation 1354655 (VCV001354655.7), dbSNP rs121917956, ClinGen allele CA349063923.
Genomic context (GRCh38, chr2:165,991,493, plus strand): 5'-TGATTTTGTTTTTATTGTACGTAAAGGAAGCTTGTTTTACAGTTCGCTTTAAAAGGTGGC[G>T]TCTGTAAGCACGCTGAATAATGACAGCAGATACTTCCTCTTGTTTTCGTTTTAAAGTAGT-3'
Protein context (NP_001159435.1, residues 1918-1938): SAVIIQRAYR[Arg1928Ser]HLLKRTVKQA

ClinVar aggregate classification (germline): Uncertain significance (1 of 4 stars; one submission).

Conditions:
Early-infantile DEE. Also called: Early infantile epileptic encephalopathy with suppression bursts; Early infantile epileptic encephalopathy; Ohtahara syndrome. Identifiers: Orphanet 1934, MedGen C0393706, MONDO:0800491.

Submission:

Labcorp Genetics (formerly Invitae), Labcorp
Classification: Uncertain significance for Early-infantile DEE. Last evaluated: 2021-11-16. Review status: criteria provided, single submitter. Criteria: Invitae Variant Classification Sherloc (09022015). Collection method: clinical testing. Allele origin: germline.
Comment: This variant has not been reported in the literature in individuals affected with SCN1A-related conditions. This sequence change replaces arginine, which is basic and polar, with serine, which is neutral and polar, at codon 1928 of the SCN1A protein (p.Arg1928Ser). This variant is not present in population databases (gnomAD no frequency). Advanced modeling of protein sequence and biophysical properties (such as structural, functional, and spatial information, amino acid conservation, physicochemical variation, residue mobility, and thermodynamic stability) performed at Invitae indicates that this missense variant is not expected to disrupt SCN1A protein function. In summary, the available evidence is currently insufficient to determine the role of this variant in disease. Therefore, it has been classified as a Variant of Uncertain Significance.